The following is an entry in ClinVar:

ClinVar aggregate classification (germline): Conflicting classifications of pathogenicity. Review status: criteria provided, conflicting classifications (1 of 4 stars). 3 submissions from 3 submitters: Uncertain significance (2); Likely benign (1). Last evaluated 2025-06-11.

Conditions:
Hereditary cancer-predisposing syndrome. Also called: Tumor predisposition; Hereditary neoplastic syndrome; Neoplastic Syndromes, Hereditary; Hereditary Cancer Syndrome. Identifiers: Orphanet 140162, MedGen C0027672, MeSH D009386, MONDO:0015356.
Gorlin syndrome. Also called: Nevoid Basal Cell Carcinoma Syndrome; Basal cell nevus syndrome. Identifiers: Orphanet 377, MedGen C0004779, MONDO:0007187.

Allele frequency attached by ClinVar (database versions not stated): gnomAD exomes below 0.00001; ExAC 0.00001; gnomAD 0.00001.
gnomAD v4.1: 3 of 1,614,010 alleles (0.00019%); highest among the groups gnomAD compares: Admixed American, 0.0017%; no homozygotes.

Submissions (3):

GeneDx
Classification: Uncertain significance. Last evaluated: 2025-06-11. Review status: criteria provided, single submitter. Criteria: GeneDx Variant Classification Process June 2021. Collection method: clinical testing. Allele origin: germline. Affected: yes.
Comment: Not observed at significant frequency in large population cohorts (gnomAD); In silico analysis supports that this missense variant has a deleterious effect on protein structure/function; Has not been previously published as pathogenic or benign to our knowledge; This variant is associated with the following publications: (PMID: 8906794)

Ambry Genetics
Classification: Uncertain significance for Hereditary cancer-predisposing syndrome. Last evaluated: 2025-05-20. Review status: criteria provided, single submitter. Criteria: Ambry Variant Classification Scheme 2023. Collection method: clinical testing. Allele origin: germline.
Comment: The p.R144C variant (also known as c.430C>T), located in coding exon 3 of the PTCH1 gene, results from a C to T substitution at nucleotide position 430. The arginine at codon 144 is replaced by cysteine, an amino acid with highly dissimilar properties. This amino acid position is highly conserved in available vertebrate species. In addition, this alteration is predicted to be deleterious by in silico analysis. Based on the available evidence, the clinical significance of this variant remains unclear.

Labcorp Genetics (formerly Invitae), Labcorp
Classification: Likely benign for Gorlin syndrome. Last evaluated: 2025-03-02. Review status: criteria provided, single submitter. Criteria: Invitae Variant Classification Sherloc (09022015). Collection method: clinical testing. Allele origin: germline.

NM_000264.5(PTCH1):c.430C>T (p.Arg144Cys)

Gene: PTCH1 (patched 1; minus strand). Cytogenetic location: 9q22.32.
Variant type: single nucleotide variant.
Coding change: c.430C>T on transcript NM_000264.5 (MANE Select); coding-DNA position 430, C replaced by T.
Protein change: p.Arg144Cys; replaces arginine 144 with cysteine.
Molecular consequence: missense variant. On other transcripts: 5 prime UTR variant (4), non-coding transcript variant (1).
Genome position (GRCh38, 1-based): chr9:95,485,839, G>A on the plus strand (C>T on the coding strand, the complement: PTCH1 is on the minus strand). VCF-style: chr9-95485839-G-A. GRCh37 (hg19) VCF-style: chr9-98248121-G-A.
Other names: c.232C>T, p.Arg78Cys (NM_001083602.3, NM_001354919.2); c.427C>T, p.Arg143Cys (NM_001083603.3); c.-24C>T (NM_001083604.3, NM_001083605.3, NM_001083606.3 and 1 more transcripts); c.430C>T, p.Arg144Cys (NM_001354918.2); short protein forms R144C, R78C, R143C.
Identifiers: ClinVar variation 135901 (VCV000135901.18), dbSNP rs587780705, ClinGen allele CA332574.